The following is an entry in ClinVar:

NM_006060.6(IKZF1):c.422-51_516del

Gene: IKZF1 (IKAROS family zinc finger 1; plus strand). Cytogenetic location: 7p12.2.
Variant type: Deletion.
Coding change: c.422-51_516del on transcript NM_006060.6 (MANE Select); 51 bases into the intron before coding-DNA position 422 through coding-DNA position 516, 146 bases deleted.
Molecular consequence: splice acceptor variant. On other transcripts: intron variant (6).
Genome position (GRCh38, 1-based): chr7:50,382,489-50,382,634, 146 bases deleted. GRCh37 (hg19): chr7:50,450,187-50,450,332.
Other names: c.482-51_576del (NM_001410879.1); c.161-51_255del (NM_001291839.2, NM_001291838.2, NM_001220767.2 and 1 more transcripts); c.422-51_516del (NM_001220765.3, NM_001291837.2, NM_001220768.2); c.421+5696_421+5841del (NM_001220771.2); c.161-4856_161-4711del (NM_001291841.1, NM_001291842.1); c.161-9240_161-9095del (NM_001291843.1, NM_001291844.1); c.161-17429_161-17284del (NM_001291840.1).
Identifiers: ClinVar variation 2846452 (VCV002846452.3), dbSNP rs2538271848, ClinGen allele CA2739266435.

ClinVar aggregate classification (germline): Uncertain significance (1 of 4 stars; one submission).

Submission:

Labcorp Genetics (formerly Invitae), Labcorp
Classification: Uncertain significance. Last evaluated: 2023-03-17. Review status: criteria provided, single submitter. Criteria: Invitae Variant Classification Sherloc (09022015). Collection method: clinical testing. Allele origin: germline.
Comment: In summary, the available evidence is currently insufficient to determine the role of this variant in disease. Therefore, it has been classified as a Variant of Uncertain Significance. This variant has not been reported in the literature in individuals affected with IKZF1-related conditions. This variant results in the deletion of part of exon 5 (c.422-51_516del) of the IKZF1 gene. It is expected to disrupt RNA splicing. Variants that disrupt the donor or acceptor splice site typically lead to a loss of protein function (PMID: 16199547), however the current clinical and genetic evidence is not sufficient to establish whether loss-of-function variants in IKZF1 cause disease.

Literature cited by the submitters: PubMed 16199547.